The following is an entry in ClinVar:

NM_004006.3(DMD):c.1604T>C (p.Val535Ala)

Gene: DMD (dystrophin; minus strand). Cytogenetic location: Xp21.1.
Variant type: single nucleotide variant.
Coding change: c.1604T>C on transcript NM_004006.3 (MANE Select); coding-DNA position 1604, T replaced by C.
Protein change: p.Val535Ala; replaces valine 535 with alanine.
Molecular consequence: missense variant.
Genome position (GRCh38, 1-based): chrX:32,573,845, A>G on the plus strand (T>C on the coding strand, the complement: DMD is on the minus strand). VCF-style: chrX-32573845-A-G. GRCh37 (hg19) VCF-style: chrX-32591962-A-G.
Other names: c.1580T>C, p.Val527Ala (NM_000109.4); c.1592T>C, p.Val531Ala (NM_004009.3); c.1235T>C, p.Val412Ala (NM_004010.3); short protein forms V535A, V412A, V527A, V531A.
Identifiers: ClinVar variation 526097 (VCV000526097.7), dbSNP rs770149373, ClinGen allele CA10379778.
Genomic context (GRCh38, chrX:32,573,845, plus strand): 5'-TGTAAAAGAACCCAGCGGTCTTCTGTCCATCTACAGATGTTTGCCCATCGATCTCCCAAT[A>G]CCTGGAGAAGAGACAATCAAGCACAGCATCAGCAAACAATTGGTAACTACGTTTTATTAA-3'
Protein context (NP_003997.2, residues 525-545): ATAALEEQLK[Val535Ala]LGDRWANICR

ClinVar aggregate classification (germline): Uncertain significance. Review status: criteria provided, single submitter (1 of 4 stars). 2 submissions from 2 submitters: Uncertain significance (1). 1 of the submissions does not count toward it. Last evaluated 2021-08-30.

Conditions:
Dystrophin deficiency.
Cardiomyopathy (CMYO). Also called: Cardiomyopathies. Identifiers: Orphanet 167848, MedGen C0878544, MONDO:0004994, HP:0001638. Inheritance: Various modes of inheritance.
Becker muscular dystrophy (BMD). Also called: Becker Muscular Dystrophy (BMD); MUSCULAR DYSTROPHY, PSEUDOHYPERTROPHIC PROGRESSIVE, BECKER TYPE. Identifiers: Orphanet 98895, MedGen C0917713, MONDO:0010311, OMIM 300376.
Duchenne muscular dystrophy (DMD). Also called: Duchenne Muscular Dystrophy (DMD); MUSCULAR DYSTROPHY, PSEUDOHYPERTROPHIC PROGRESSIVE, DUCHENNE TYPE. Identifiers: Orphanet 98896, MedGen C0013264, MONDO:0010679, OMIM 310200.

Allele frequency attached by ClinVar (database versions not stated): gnomAD exomes below 0.00001 and 0.00001; ExAC 0.00001.
gnomAD v4.1: 4 of 1,199,369 alleles (0.00033%); highest among the groups gnomAD compares: South Asian, 0.0053%; no homozygotes.

Submissions (2):

Labcorp Genetics (formerly Invitae), Labcorp
Classification: Uncertain significance for Duchenne muscular dystrophy. Last evaluated: 2021-08-30. Review status: criteria provided, single submitter. Criteria: Invitae Variant Classification Sherloc (09022015). Collection method: clinical testing. Allele origin: germline.
Comment: This sequence change replaces valine with alanine at codon 535 of the DMD protein (p.Val535Ala). The valine residue is moderately conserved and there is a small physicochemical difference between valine and alanine. This variant is present in population databases (rs770149373, ExAC 0.01%), including at least one homozygous and/or hemizygous individual. This variant has not been reported in the literature in individuals affected with DMD-related conditions. Algorithms developed to predict the effect of missense changes on protein structure and function are either unavailable or do not agree on the potential impact of this missense change (SIFT: "Tolerated"; PolyPhen-2: "Possibly Damaging"; Align-GVGD: "Class C0"). In summary, the available evidence is currently insufficient to determine the role of this variant in disease. Therefore, it has been classified as a Variant of Uncertain Significance.

Natera, Inc.
Classification: Uncertain significance for Becker muscular dystrophy; Cardiomyopathy; Duchenne muscular dystrophy; Dystrophin deficiency. Last evaluated: 2020-08-07. Review status: no assertion criteria provided. Collection method: clinical testing. Allele origin: germline. Not counted in ClinVar's aggregate classification.